The following is an entry in ClinVar:

ClinVar aggregate classification (germline): Conflicting classifications of pathogenicity. Review status: criteria provided, conflicting classifications (1 of 4 stars). 2 submissions from 2 submitters: Uncertain significance (1); Likely benign (1). Last evaluated 2024-05-23.

Allele frequency attached by ClinVar (database versions not stated): gnomAD exomes 0.00002 and 0.00008; TOPMed 0.00004; ExAC 0.00006; gnomAD 0.00006.
gnomAD v4.1: 43 of 1,591,784 alleles (0.0027%); highest among the groups gnomAD compares: East Asian, 0.083%; no homozygotes.

Submissions (2):

Labcorp Genetics (formerly Invitae), Labcorp
Classification: Uncertain significance. Last evaluated: 2024-05-23. Review status: criteria provided, single submitter. Criteria: Invitae Variant Classification Sherloc (09022015). Collection method: clinical testing. Allele origin: germline.
Comment: This sequence change falls in intron 41 of the OTOGL gene. It does not directly change the encoded amino acid sequence of the OTOGL protein. It affects a nucleotide within the consensus splice site. This variant is present in population databases (rs769803656, gnomAD 0.1%). This variant has not been reported in the literature in individuals affected with OTOGL-related conditions. ClinVar contains an entry for this variant (Variation ID: 1254307). Variants that disrupt the consensus splice site are a relatively common cause of aberrant splicing (PMID: 17576681, 9536098). Algorithms developed to predict the effect of sequence changes on RNA splicing suggest that this variant is not likely to affect RNA splicing. In summary, the available evidence is currently insufficient to determine the role of this variant in disease. Therefore, it has been classified as a Variant of Uncertain Significance.

GeneDx
Classification: Likely benign. Last evaluated: 2020-11-17. Review status: criteria provided, single submitter. Criteria: GeneDx Variant Classification Process June 2021. Collection method: clinical testing. Allele origin: germline. Affected: yes.

Literature cited by the submitters: PubMed 17576681 (cited by Labcorp Genetics (formerly Invitae), Labcorp); PubMed 9536098 (cited by Labcorp Genetics (formerly Invitae), Labcorp).

NM_001378609.3(OTOGL):c.4861-3T>C

Gene: OTOGL (otogelin like; plus strand). Cytogenetic location: 12q21.31.
Variant type: single nucleotide variant.
Coding change: c.4861-3T>C on transcript NM_001378609.3 (MANE Select); 3 bases into the intron before coding-DNA position 4861, T replaced by C.
Molecular consequence: intron variant.
Genome position (GRCh38, 1-based): chr12:80,339,072, T>C. VCF-style: chr12-80339072-T-C. GRCh37 (hg19) VCF-style: chr12-80732852-T-C.
Other names: c.4726-3T>C (NM_001368062.3); c.4861-3T>C (NM_001378610.3, NM_173591.7).
Identifiers: ClinVar variation 1254307 (VCV001254307.7), dbSNP rs769803656, ClinGen allele CA6701543.